The following is an entry in ClinVar:

ClinVar aggregate classification (germline): Uncertain significance (1 of 4 stars; one submission).

Conditions:
Inborn genetic diseases. Identifiers: MedGen C0950123, MeSH D030342.

Submission:

Ambry Genetics
Classification: Uncertain significance for Inborn genetic diseases. Last evaluated: 2025-12-20. Review status: criteria provided, single submitter. Criteria: Ambry Variant Classification Scheme 2023. Collection method: clinical testing. Allele origin: germline.
Comment: The p.G134S variant (also known as c.400G>A), located in coding exon 1 of the SAMD9 gene, results from a G to A substitution at nucleotide position 400. The glycine at codon 134 is replaced by serine, an amino acid with similar properties. This amino acid position is conserved. In addition, this alteration is predicted to be tolerated by in silico analysis. Based on the available evidence, the clinical significance of this variant remains unclear.

NM_017654.4(SAMD9):c.400G>A (p.Gly134Ser)

Gene: SAMD9 (sterile alpha motif domain containing 9; minus strand). Cytogenetic location: 7q21.2.
Variant type: single nucleotide variant.
Coding change: c.400G>A on transcript NM_017654.4 (MANE Select); coding-DNA position 400, G replaced by A.
Protein change: p.Gly134Ser; replaces glycine 134 with serine.
Molecular consequence: missense variant.
Genome position (GRCh38, 1-based): chr7:93,105,698, C>T on the plus strand (G>A on the coding strand, the complement: SAMD9 is on the minus strand). VCF-style: chr7-93105698-C-T. GRCh37 (hg19) VCF-style: chr7-92735011-C-T.
Other names: c.400G>A, p.Gly134Ser (NM_001193307.2); short protein forms G134S.
Identifiers: ClinVar variation 4843112 (VCV004843112.1).